The following is an entry in ClinVar:

NM_000310.4(PPT1):c.115_120del (p.His39_Gly40del)

Gene: PPT1 (palmitoyl-protein thioesterase 1; minus strand). Cytogenetic location: 1p34.2.
Variant type: Deletion.
Coding change: c.115_120del on transcript NM_000310.4 (MANE Select); coding-DNA positions 115 to 120, 6 bases deleted (CATGGG; older notation c.115_120delCATGGG).
Protein change: p.His39_Gly40del.
Molecular consequence: inframe deletion.
Genome position (GRCh38, 1-based): chr1:40,097,119-40,097,124, CCCATG deleted on the plus strand (CATGGG on the coding strand, the reverse complement: PPT1 is on the minus strand); deleting any 6 consecutive bases within chr1:40,097,119-40,097,126 gives the same sequence; the c. name uses the placement nearest the transcript's 3' end. VCF-style (leftmost placement, unchanged base first): chr1-40097118-TCCCATG-T. GRCh37 (hg19) VCF-style: chr1-40562790-TCCCATG-T.
Other names: c.115_120del, p.His39_Gly40del (NM_001142604.2, NM_001363695.2).
Identifiers: ClinVar variation 1446591 (VCV001446591.7), dbSNP rs2124494364, ClinGen allele CA2573132333.

ClinVar aggregate classification (germline): Uncertain significance (1 of 4 stars; one submission).

Conditions:
Neuronal ceroid lipofuscinosis 1 (CLN1). Also called: CEROID LIPOFUSCINOSIS, NEURONAL, 1, VARIABLE AGE AT ONSET; PPT1-Related Neuronal Ceroid-Lipofuscinosis. Identifiers: Orphanet 228329, MedGen C1850451, MONDO:0009744, OMIM 256730.

Submission:

Labcorp Genetics (formerly Invitae), Labcorp
Classification: Uncertain significance for Neuronal ceroid lipofuscinosis 1. Last evaluated: 2024-09-30. Review status: criteria provided, single submitter. Criteria: Invitae Variant Classification Sherloc (09022015). Collection method: clinical testing. Allele origin: germline.
Comment: This variant, c.115_120del, results in the deletion of 2 amino acid(s) of the PPT1 protein (p.His39_Gly40del), but otherwise preserves the integrity of the reading frame. This variant is not present in population databases (gnomAD no frequency). This variant has been observed in individual(s) with clinical features of PPT1-related conditions (PMID: 34114234). ClinVar contains an entry for this variant (Variation ID: 1446591). Experimental studies and prediction algorithms are not available or were not evaluated, and the functional significance of this variant is currently unknown. This variant disrupts a region of the PPT1 protein in which other variant(s) (p.His39Gln) have been observed in individuals with PPT1-related conditions (PMID: 9664077). This suggests that this is a clinically significant region of the protein, and that variants that disrupt it are likely to be disease-causing. In summary, the available evidence is currently insufficient to determine the role of this variant in disease. Therefore, it has been classified as a Variant of Uncertain Significance.

Literature cited by the submitters: PubMed 34114234; PubMed 9664077.